The following is an entry in ClinVar:

NM_001458.5(FLNC):c.7118A>C (p.Tyr2373Ser)

Genes: FLNC (filamin C; plus strand), FLNC-AS1 (FLNC antisense RNA 1; minus strand). Cytogenetic location: 7q32.1.
Variant type: single nucleotide variant.
Coding change: c.7118A>C on transcript NM_001458.5 (MANE Select); coding-DNA position 7118, A replaced by C.
Protein change: p.Tyr2373Ser; replaces tyrosine 2373 with serine.
Molecular consequence: missense variant.
Genome position (GRCh38, 1-based): chr7:128,854,895, A>C. VCF-style: chr7-128854895-A-C. GRCh37 (hg19) VCF-style: chr7-128494949-A-C.
Other names: c.7019A>C, p.Tyr2340Ser (NM_001127487.2); short protein forms Y2340S, Y2373S.
Identifiers: ClinVar variation 3515935 (VCV003515935.1).
Genomic context (GRCh38, chr7:128,854,895, plus strand): 5'-GTCCTAGCAAAGCGGAGATTGCATTTGAGGATCGCAAAGATGGCTCCTGCGGCGTCTCCT[A>C]TGTCGTCCAGGAACCAGGTGGGCGTCCACACTGGCAGTGGGGCTGGGCCTGCCTGACCTT-3'
Protein context (NP_001449.3, residues 2363-2383): DRKDGSCGVS[Tyr2373Ser]VVQEPGDYEV

ClinVar aggregate classification (germline): Uncertain significance (1 of 4 stars; one submission).

Conditions:
Cardiovascular phenotype. Identifiers: MedGen CN230736.

Submission:

Ambry Genetics
Classification: Uncertain significance for Cardiovascular phenotype. Last evaluated: 2024-07-28. Review status: criteria provided, single submitter. Criteria: Ambry Variant Classification Scheme 2023. Collection method: clinical testing. Allele origin: germline.
Comment: The p.Y2373S variant (also known as c.7118A>C), located in coding exon 42 of the FLNC gene, results from an A to C substitution at nucleotide position 7118. The tyrosine at codon 2373 is replaced by serine, an amino acid with dissimilar properties. This amino acid position is conserved. In addition, this alteration is predicted to be deleterious by in silico analysis. Based on the available evidence, the clinical significance of this variant remains unclear.